The following is an entry in ClinVar:

NM_006744.4(RBP4):c.577G>A (p.Asp193Asn)

Gene: RBP4 (retinol binding protein 4; minus strand). Cytogenetic location: 10q23.33.
Variant type: single nucleotide variant.
Coding change: c.577G>A on transcript NM_006744.4 (MANE Select); coding-DNA position 577, G replaced by A.
Protein change: p.Asp193Asn; replaces aspartic acid 193 with asparagine.
Molecular consequence: missense variant.
Genome position (GRCh38, 1-based): chr10:93,592,104, C>T on the plus strand (G>A on the coding strand, the complement: RBP4 is on the minus strand). VCF-style: chr10-93592104-C-T. GRCh37 (hg19) VCF-style: chr10-95351861-C-T.
Other names: c.577G>A, p.Asp193Asn (NM_001323517.1); c.571G>A, p.Asp191Asn (NM_001323518.2); c.577G>A (NM_006744.3); short protein forms D191N, D193N.
Identifiers: ClinVar variation 1057567 (VCV001057567.10), dbSNP rs777620177, ClinGen allele CA5609490.

ClinVar aggregate classification (germline): Uncertain significance. Review status: criteria provided, multiple submitters, no conflicts (2 of 4 stars). 2 submissions from 2 submitters: Uncertain significance (2). Last evaluated 2025-11-08.

Conditions:
Inborn genetic diseases. Identifiers: MedGen C0950123, MeSH D030342.

Allele frequency attached by ClinVar (database versions not stated): gnomAD 0.00001; TOPMed 0.00001; ExAC 0.00002; gnomAD exomes 0.00002.
gnomAD v4.1: 17 of 1,613,974 alleles (0.0011%); highest among the groups gnomAD compares: Middle Eastern, 0.016%; no homozygotes.

Submissions (2):

Ambry Genetics
Classification: Uncertain significance for Inborn genetic diseases. Last evaluated: 2025-11-08. Review status: criteria provided, single submitter. Criteria: Ambry Variant Classification Scheme 2023. Collection method: clinical testing. Allele origin: germline.

Labcorp Genetics (formerly Invitae), Labcorp
Classification: Uncertain significance. Last evaluated: 2024-05-16. Review status: criteria provided, single submitter. Criteria: Invitae Variant Classification Sherloc (09022015). Collection method: clinical testing. Allele origin: germline.
Comment: This sequence change replaces aspartic acid, which is acidic and polar, with asparagine, which is neutral and polar, at codon 193 of the RBP4 protein (p.Asp193Asn). This variant is present in population databases (rs777620177, gnomAD 0.005%). This variant has not been reported in the literature in individuals affected with RBP4-related conditions. ClinVar contains an entry for this variant (Variation ID: 1057567). An algorithm developed to predict the effect of missense changes on protein structure and function (PolyPhen-2) suggests that this variant is likely to be tolerated. Algorithms developed to predict the effect of sequence changes on RNA splicing suggest that this variant may disrupt the consensus splice site. In summary, the available evidence is currently insufficient to determine the role of this variant in disease. Therefore, it has been classified as a Variant of Uncertain Significance.